The following is an entry in ClinVar:

NM_004525.3(LRP2):c.6368C>G (p.Ala2123Gly)

Gene: LRP2 (LDL receptor related protein 2; minus strand). Cytogenetic location: 2q31.1.
Variant type: single nucleotide variant.
Coding change: c.6368C>G on transcript NM_004525.3 (MANE Select); coding-DNA position 6368, C replaced by G.
Protein change: p.Ala2123Gly; replaces alanine 2123 with glycine.
Molecular consequence: missense variant.
Genome position (GRCh38, 1-based): chr2:169,209,554, G>C on the plus strand (C>G on the coding strand, the complement: LRP2 is on the minus strand). VCF-style: chr2-169209554-G-C. GRCh37 (hg19) VCF-style: chr2-170066064-G-C.
Other names: short protein forms A2123G.
Identifiers: ClinVar variation 3611562 (VCV003611562.2).

ClinVar aggregate classification (germline): Uncertain significance (1 of 4 stars; one submission).

gnomAD v4.1: 4 of 1,613,918 alleles (0.00025%); highest among the groups gnomAD compares: Non-Finnish European, 0.00034%; no homozygotes.

Submission:

Labcorp Genetics (formerly Invitae), Labcorp
Classification: Uncertain significance. Last evaluated: 2024-05-10. Review status: criteria provided, single submitter. Criteria: Invitae Variant Classification Sherloc (09022015). Collection method: clinical testing. Allele origin: germline.
Comment: This sequence change replaces alanine, which is neutral and non-polar, with glycine, which is neutral and non-polar, at codon 2123 of the LRP2 protein (p.Ala2123Gly). This variant is not present in population databases (gnomAD no frequency). This variant has not been reported in the literature in individuals affected with LRP2-related conditions. Advanced modeling of protein sequence and biophysical properties (such as structural, functional, and spatial information, amino acid conservation, physicochemical variation, residue mobility, and thermodynamic stability) performed at Invitae indicates that this missense variant is not expected to disrupt LRP2 protein function with a negative predictive value of 95%. In summary, the available evidence is currently insufficient to determine the role of this variant in disease. Therefore, it has been classified as a Variant of Uncertain Significance.